The following is an entry in ClinVar:

ClinVar aggregate classification (germline): Conflicting classifications of pathogenicity. Review status: criteria provided, conflicting classifications (1 of 4 stars). 3 submissions from 3 submitters: Uncertain significance (2); Likely benign (1). Last evaluated 2021-11-25.

Conditions:
Nemaline myopathy 2 (NEM2). Also called: Nemaline myopathy 2, autosomal recessive. Identifiers: MedGen C1850569, MONDO:0009725, OMIM 256030.

Allele frequency attached by ClinVar (database versions not stated): gnomAD exomes 0.00004 and 0.00011; ExAC 0.00004; gnomAD 0.00007; TOPMed 0.00007.
gnomAD v4.1: 163 of 1,597,978 alleles (0.01%); highest among the groups gnomAD compares: Non-Finnish European, 0.014%; no homozygotes.

Submissions (3):

Labcorp Genetics (formerly Invitae), Labcorp
Classification: Uncertain significance for Nemaline myopathy 2. Last evaluated: 2021-11-25. Review status: criteria provided, single submitter. Criteria: Invitae Variant Classification Sherloc (09022015). Collection method: clinical testing. Allele origin: germline.
Comment: This sequence change falls in intron 160 of the NEB gene. It does not directly change the encoded amino acid sequence of the NEB protein. It affects a nucleotide within the consensus splice site. This variant is present in population databases (rs764457781, gnomAD 0.01%). This variant has not been reported in the literature in individuals affected with NEB-related conditions. ClinVar contains an entry for this variant (Variation ID: 331412). Variants that disrupt the consensus splice site are a relatively common cause of aberrant splicing (PMID: 17576681, 9536098). Algorithms developed to predict the effect of sequence changes on RNA splicing suggest that this variant is not likely to affect RNA splicing. In summary, the available evidence is currently insufficient to determine the role of this variant in disease. Therefore, it has been classified as a Variant of Uncertain Significance.

GeneDx
Classification: Likely benign. Last evaluated: 2018-09-27. Review status: criteria provided, single submitter. Criteria: GeneDx Variant Classification Process June 2021. Collection method: clinical testing. Allele origin: germline. Affected: yes.

Illumina Laboratory Services, Illumina
Classification: Uncertain significance for Nemaline myopathy 2. Last evaluated: 2018-01-12. Review status: criteria provided, single submitter. Criteria: ICSL Variant Classification Criteria 13 December 2019. Collection method: clinical testing. Allele origin: germline.

Literature cited by the submitters: PubMed 17576681 (cited by Labcorp Genetics (formerly Invitae), Labcorp); PubMed 9536098 (cited by Labcorp Genetics (formerly Invitae), Labcorp).

NM_001164508.2(NEB):c.23127+4G>A

Genes: RIF1 (replication timing regulatory factor 1; plus strand), NEB (nebulin; minus strand). Cytogenetic location: 2q23.3.
Variant type: single nucleotide variant.
Coding change: c.23127+4G>A on transcript NM_001164508.2 (MANE Select); 4 bases into the intron after coding-DNA position 23127, G replaced by A.
Molecular consequence: intron variant.
Genome position (GRCh38, 1-based): chr2:151,514,314, C>T on the plus strand (G>A on the coding strand, the complement: NEB is on the minus strand). VCF-style: chr2-151514314-C-T. GRCh37 (hg19) VCF-style: chr2-152370828-C-T.
Other names: c.18024+4G>A (NM_004543.5); c.23127+4G>A (NM_001164507.2); c.23232+4G>A (NM_001271208.2).
Identifiers: ClinVar variation 331412 (VCV000331412.10), dbSNP rs764457781, ClinGen allele CA1906448.
Genomic context (GRCh38, chr2:151,514,314, plus strand): 5'-TAATTTGGCTAACAAAGAAATGATGCTGTATGAATTACGTGCAGGCAGTCAGCTGTGGGC[C>T]TACCTCATTGAGGATTTGAGTGGCATTCTTTGCTCTTAGCATGTCAGGTGTATCTTCCAT-3'